The following is an entry in ClinVar:

ClinVar aggregate classification (germline): Uncertain significance (1 of 4 stars; one submission).

Submission:

Labcorp Genetics (formerly Invitae), Labcorp
Classification: Uncertain significance. Last evaluated: 2022-05-19. Review status: criteria provided, single submitter. Criteria: Invitae Variant Classification Sherloc (09022015). Collection method: clinical testing. Allele origin: germline.
Comment: In summary, the available evidence is currently insufficient to determine the role of this variant in disease. Therefore, it has been classified as a Variant of Uncertain Significance. Algorithms developed to predict the effect of missense changes on protein structure and function (SIFT, PolyPhen-2, Align-GVGD) all suggest that this variant is likely to be tolerated. This variant has not been reported in the literature in individuals affected with RBP3-related conditions. This variant is not present in population databases (gnomAD no frequency). This sequence change replaces alanine, which is neutral and non-polar, with glycine, which is neutral and non-polar, at codon 669 of the RBP3 protein (p.Ala669Gly).

NM_002900.3(RBP3):c.2006C>G (p.Ala669Gly)

Gene: RBP3 (retinol binding protein 3; plus strand). Cytogenetic location: 10q11.22.
Variant type: single nucleotide variant.
Coding change: c.2006C>G on transcript NM_002900.3 (MANE Select); coding-DNA position 2006, C replaced by G.
Protein change: p.Ala669Gly; replaces alanine 669 with glycine.
Molecular consequence: missense variant.
Genome position (GRCh38, 1-based): chr10:47,350,490, C>G. VCF-style: chr10-47350490-C-G. GRCh37 (hg19) VCF-style: chr10-48388872-G-C.
Other names: short protein forms A669G.
Identifiers: ClinVar variation 1925605 (VCV001925605.5), dbSNP rs2549029008, ClinGen allele CA376671900.